The following is an entry in ClinVar:

NM_152722.5(HEPACAM):c.382G>C (p.Asp128His)

Gene: HEPACAM (hepatic and glial cell adhesion molecule; minus strand). Cytogenetic location: 11q24.2.
Variant type: single nucleotide variant.
Coding change: c.382G>C on transcript NM_152722.5 (MANE Select); coding-DNA position 382, G replaced by C.
Protein change: p.Asp128His; replaces aspartic acid 128 with histidine.
Molecular consequence: missense variant.
Genome position (GRCh38, 1-based): chr11:124,924,773, C>G on the plus strand (G>C on the coding strand, the complement: HEPACAM is on the minus strand). VCF-style: chr11-124924773-C-G. GRCh37 (hg19) VCF-style: chr11-124794669-C-G.
Other names: c.382G>C, p.Asp128His (NM_001411043.1, NM_001441320.1); short protein forms D128H.
Identifiers: ClinVar variation 5007814 (VCV005007814.2).

ClinVar aggregate classification (germline): Uncertain significance (1 of 4 stars; one submission).

Conditions:
Megalencephalic leukoencephalopathy with subcortical cysts 2A. Identifiers: Orphanet 2478, MedGen C3151355, MONDO:0013490, OMIM 613925.
Megalencephalic leukoencephalopathy with subcortical cysts 2B, remitting, with or without impaired intellectual development. Also called: Megalencephalic leukoencephalopathy with subcortical cysts 2B, remitting, with or without intellectual disability. Identifiers: Orphanet 2478, MedGen C3151356, MONDO:0013491, OMIM 613926.

Submission:

Juno Genomics, Hangzhou Juno Genomics, Inc
Classification: Uncertain significance for Megalencephalic leukoencephalopathy with subcortical cysts 2A; Megalencephalic leukoencephalopathy with subcortical cysts 2B, remitting, with or without impaired intellectual development. Review status: criteria provided, single submitter. Criteria: ACMG Guidelines, 2015. Collection method: clinical testing. Allele origin: germline.
Comment: Absent from controls (or at extremely low frequency if recessive) in Genome Aggregation Database.;Novel missense change at an amino acid residue where a different missense change determined to be pathogenic has been seen before.;Located in a mutational hot spot and/or critical and well-established functional domain without benign variation.